The following is an entry in ClinVar:

ClinVar aggregate classification (germline): Pathogenic. Review status: criteria provided, multiple submitters, no conflicts (2 of 4 stars). 2 submissions from 2 submitters: Pathogenic (2). Last evaluated 2024-07-10.

Conditions:
KCNA2-related disorder. Also called: KCNA2-related condition.
Developmental and epileptic encephalopathy, 32 (DEE32). Also called: Epileptic encephalopathy, early infantile, 32. Identifiers: Orphanet 442835, MedGen C4225350, MONDO:0014607, OMIM 616366.

Submissions (2):

Labcorp Genetics (formerly Invitae), Labcorp
Classification: Pathogenic for Developmental and epileptic encephalopathy, 32. Last evaluated: 2024-07-10. Review status: criteria provided, single submitter. Criteria: Invitae Variant Classification Sherloc (09022015). Collection method: clinical testing. Allele origin: germline.
Comment: This sequence change creates a premature translational stop signal (p.Gln213*) in the KCNA2 gene. While this is not anticipated to result in nonsense mediated decay, it is expected to disrupt the last 287 amino acid(s) of the KCNA2 protein. This variant is not present in population databases (gnomAD no frequency). This premature translational stop signal has been observed in individual(s) with autosomal dominant epileptic encephalopathy (PMID: 29050392; Invitae). In at least one individual the variant was observed to be de novo. ClinVar contains an entry for this variant (Variation ID: 2151893). Experimental studies and prediction algorithms are not available or were not evaluated, and the functional significance of this variant is currently unknown. For these reasons, this variant has been classified as Pathogenic.

Blueprint Genetics
Classification: Pathogenic for KCNA2-related disorders. Last evaluated: 2020-05-19. Review status: criteria provided, single submitter. Criteria: ACMG Guidelines, 2015. Collection method: clinical testing. Allele origin: de novo. Affected: yes. Observed: 1 variant allele.

Literature cited by the submitters: PubMed 29050392 (cited by Labcorp Genetics (formerly Invitae), Labcorp).

NM_004974.4(KCNA2):c.637C>T (p.Gln213Ter)

Gene: KCNA2 (potassium voltage-gated channel subfamily A member 2; minus strand). Cytogenetic location: 1p13.3.
Variant type: single nucleotide variant.
Coding change: c.637C>T on transcript NM_004974.4 (MANE Select); coding-DNA position 637, C replaced by T.
Protein change: p.Gln213Ter; replaces glutamine 213 with a stop codon.
Molecular consequence: nonsense.
Genome position (GRCh38, 1-based): chr1:110,604,146, G>A on the plus strand (C>T on the coding strand, the complement: KCNA2 is on the minus strand). VCF-style: chr1-110604146-G-A. GRCh37 (hg19) VCF-style: chr1-111146768-G-A.
Other names: c.637C>T, p.Gln213Ter (NM_001204269.2); short protein forms Q213*.
Identifiers: ClinVar variation 2151893 (VCV002151893.5), dbSNP rs2524619990, ClinGen allele CA341603549.